The following is an entry in ClinVar:

NM_205836.3(FBXO38):c.475A>G (p.Met159Val)

Gene: FBXO38 (F-box protein 38; plus strand). Cytogenetic location: 5q32.
Variant type: single nucleotide variant.
Coding change: c.475A>G on transcript NM_205836.3 (MANE Select); coding-DNA position 475, A replaced by G.
Protein change: p.Met159Val; replaces methionine 159 with valine.
Molecular consequence: missense variant.
Genome position (GRCh38, 1-based): chr5:148,402,396, A>G. VCF-style: chr5-148402396-A-G. GRCh37 (hg19) VCF-style: chr5-147781959-A-G.
Other names: c.475A>G, p.Met159Val (NM_001271723.2, NM_030793.5); c.475A>G (NM_030793.4); short protein forms M159V.
Identifiers: ClinVar variation 1742878 (VCV001742878.3), dbSNP rs2531709925, ClinGen allele CA361655122.

ClinVar aggregate classification (germline): Uncertain significance. Review status: criteria provided, multiple submitters, no conflicts (2 of 4 stars). 2 submissions from 2 submitters: Uncertain significance (2). Last evaluated 2026-04-01.

Submissions (2):

GeneDx
Classification: Uncertain significance. Last evaluated: 2026-04-01. Review status: criteria provided, single submitter. Criteria: GeneDx Variant Classification Process June 2021. Collection method: clinical testing. Allele origin: germline.
Comment: Not observed at significant frequency in large population cohorts (gnomAD); In silico analysis suggests that this missense variant does not alter protein structure/function; Has not been previously published as pathogenic or benign to our knowledge

Ambry Genetics
Classification: Uncertain significance. Last evaluated: 2019-12-19. Review status: criteria provided, single submitter. Criteria: Ambry Variant Classification Scheme 2023. Collection method: clinical testing. Allele origin: germline.
Comment: The p.M159V variant (also known as c.475A>G), located in coding exon 4 of the FBXO38 gene, results from an A to G substitution at nucleotide position 475. The methionine at codon 159 is replaced by valine, an amino acid with highly similar properties. This amino acid position is highly conserved in available vertebrate species. In addition, the in silico prediction for this alteration is inconclusive. Since supporting evidence is limited at this time, the clinical significance of this alteration remains unclear.